The following is an entry in ClinVar:

ClinVar aggregate classification (germline): Uncertain significance (1 of 4 stars; one submission).

Submission:

CeGaT Center for Human Genetics Tuebingen
Classification: Uncertain significance. Last evaluated: 2024-06-01. Review status: criteria provided, single submitter. Criteria: CeGaT Center For Human Genetics Tuebingen Variant Classification Criteria Version 2. Collection method: clinical testing. Allele origin: germline. Affected: yes. Observed: 1 variant allele.
Comment: SRRM2: PM2, BP4

NM_016333.4(SRRM2):c.3439A>T (p.Thr1147Ser)

Gene: SRRM2 (serine/arginine repetitive matrix 2; plus strand). Cytogenetic location: 16p13.3.
Variant type: single nucleotide variant.
Coding change: c.3439A>T on transcript NM_016333.4 (MANE Select); coding-DNA position 3439, A replaced by T.
Protein change: p.Thr1147Ser; replaces threonine 1147 with serine.
Molecular consequence: missense variant.
Genome position (GRCh38, 1-based): chr16:2,763,967, A>T. VCF-style: chr16-2763967-A-T. GRCh37 (hg19) VCF-style: chr16-2813968-A-T.
Other names: short protein forms T1147S.
Identifiers: ClinVar variation 3250977 (VCV003250977.18), dbSNP rs745378488.